The following is an entry in ClinVar:

NM_014967.5(FAN1):c.2161C>A (p.Arg721Ser)

Genes: FAN1 (FANCD2 and FANCI associated nuclease 1; plus strand), MTMR10 (myotubularin related protein 10; minus strand). Cytogenetic location: 15q13.3.
Variant type: single nucleotide variant.
Coding change: c.2161C>A on transcript NM_014967.5 (MANE Select); coding-DNA position 2161, C replaced by A.
Protein change: p.Arg721Ser; replaces arginine 721 with serine.
Molecular consequence: missense variant.
Genome position (GRCh38, 1-based): chr15:30,922,343, C>A. VCF-style: chr15-30922343-C-A. GRCh37 (hg19) VCF-style: chr15-31214546-C-A.
Other names: short protein forms R721S.
Identifiers: ClinVar variation 4885895 (VCV004885895.2).

ClinVar aggregate classification (germline): Uncertain significance (1 of 4 stars; one submission).

Submission:

Dasa
Classification: Uncertain significance. Last evaluated: 2025-11-11. Review status: criteria provided, single submitter. Criteria: DASA Assertion Criteria. Collection method: clinical testing. Allele origin: germline.
Comment: NM_014967.5(FAN1):c.2161C>A (p.Arg721Ser) is a missense variant that results in the substitution of arginine with serine. This variant is absent from population databases. Computational prediction algorithms are consistent with a deleterious effect. The currently available literature and clinical evidence are not sufficient to establish a definitive association between this variant and the reported condition. Therefore, this variant is classified as a variant of uncertain significance.